The following is an entry in ClinVar:

NM_001164508.2(NEB):c.5083C>A (p.Pro1695Thr)

Gene: NEB (nebulin; minus strand). Cytogenetic location: 2q23.3.
Variant type: single nucleotide variant.
Coding change: c.5083C>A on transcript NM_001164508.2 (MANE Select); coding-DNA position 5083, C replaced by A.
Protein change: p.Pro1695Thr; replaces proline 1695 with threonine.
Molecular consequence: missense variant.
Genome position (GRCh38, 1-based): chr2:151,665,488, G>T on the plus strand (C>A on the coding strand, the complement: NEB is on the minus strand). VCF-style: chr2-151665488-G-T. GRCh37 (hg19) VCF-style: chr2-152522002-G-T.
Other names: c.5083C>A, p.Pro1695Thr (NM_001164507.2, NM_001271208.2, NM_004543.5); short protein forms P1695T.
Identifiers: ClinVar variation 3898264 (VCV003898264.7).
Genomic context (GRCh38, chr2:151,665,488, plus strand): 5'-TCTTCTCACTAAGAATCTCTCCTGCTTTCTTTGCCTTCTCCACCTCCAGGGACTCTATGG[G>T]CACCCAGCCGATCCCTTTCATCCAATTGGTGAAGTCAGATTTGTACAGATTCTTTACAAT-3'
Protein context (NP_001157980.2, residues 1685-1705): TNWMKGIGWV[Pro1695Thr]IESLEVEKAK

ClinVar aggregate classification (germline): Uncertain significance (1 of 4 stars; one submission).

gnomAD v4.1: 1 of 1,612,016 alleles (0.000062%); highest among the groups gnomAD compares: Middle Eastern, 0.017%; no homozygotes.

Submission:

CeGaT Center for Human Genetics Tuebingen
Classification: Uncertain significance. Last evaluated: 2025-04-01. Review status: criteria provided, single submitter. Criteria: CeGaT Center For Human Genetics Tuebingen Variant Classification Criteria Version 2. Collection method: clinical testing. Allele origin: germline. Affected: yes. Observed: 1 variant allele.
Comment: NEB: PM2